The following is an entry in ClinVar:

ClinVar aggregate classification (germline): Uncertain significance (1 of 4 stars; one submission).

Conditions:
Combined immunodeficiency due to DOCK8 deficiency (HIES2). Also called: HYPER-IgE SYNDROME 2, AUTOSOMAL RECESSIVE, WITH RECURRENT INFECTIONS; DOCK8 Deficiency; Hyper-IgE recurrent infection syndrome, autosomal recessive; HIES autosomal recessive; HYPER-IgE RECURRENT INFECTION SYNDROME 2, AUTOSOMAL RECESSIVE. Identifiers: Orphanet 217390, MedGen C4722305, MONDO:0009478, OMIM 243700.

Submission:

Labcorp Genetics (formerly Invitae), Labcorp
Classification: Uncertain significance for Combined immunodeficiency due to DOCK8 deficiency. Last evaluated: 2024-11-10. Review status: criteria provided, single submitter. Criteria: Invitae Variant Classification Sherloc (09022015). Collection method: clinical testing. Allele origin: germline.
Comment: This sequence change replaces isoleucine, which is neutral and non-polar, with threonine, which is neutral and polar, at codon 131 of the DOCK8 protein (p.Ile131Thr). This variant is not present in population databases (gnomAD no frequency). This variant has not been reported in the literature in individuals affected with DOCK8-related conditions. Invitae Evidence Modeling of protein sequence and biophysical properties (such as structural, functional, and spatial information, amino acid conservation, physicochemical variation, residue mobility, and thermodynamic stability) indicates that this missense variant is not expected to disrupt DOCK8 protein function with a negative predictive value of 80%. In summary, the available evidence is currently insufficient to determine the role of this variant in disease. Therefore, it has been classified as a Variant of Uncertain Significance.

NM_203447.4(DOCK8):c.392T>C (p.Ile131Thr)

Gene: DOCK8 (dedicator of cytokinesis 8; plus strand). Cytogenetic location: 9p24.3.
Variant type: single nucleotide variant.
Coding change: c.392T>C on transcript NM_203447.4 (MANE Select); coding-DNA position 392, T replaced by C.
Protein change: p.Ile131Thr; replaces isoleucine 131 with threonine.
Molecular consequence: missense variant.
Genome position (GRCh38, 1-based): chr9:289,569, T>C. VCF-style: chr9-289569-T-C. GRCh37 (hg19) VCF-style: chr9-289569-T-C.
Other names: c.188T>C, p.Ile63Thr (NM_001190458.2, NM_001193536.2); short protein forms I131T, I63T.
Identifiers: ClinVar variation 3704937 (VCV003704937.2).